The following is an entry in ClinVar:

ClinVar aggregate classification (germline): Uncertain significance. Review status: criteria provided, multiple submitters, no conflicts (2 of 4 stars). 2 submissions from 2 submitters: Uncertain significance (2). Last evaluated 2024-11-28.

Conditions:
Inborn genetic diseases. Identifiers: MedGen C0950123, MeSH D030342.

Allele frequency attached by ClinVar (database versions not stated): ExAC 0.00014; TOPMed 0.00012.
gnomAD v4.1: 52 of 1,609,394 alleles (0.0032%); highest among the groups gnomAD compares: Admixed American, 0.082%; no homozygotes.

Submissions (2):

Labcorp Genetics (formerly Invitae), Labcorp
Classification: Uncertain significance. Last evaluated: 2024-11-28. Review status: criteria provided, single submitter. Criteria: Invitae Variant Classification Sherloc (09022015). Collection method: clinical testing. Allele origin: germline.
Comment: This sequence change replaces proline, which is neutral and non-polar, with serine, which is neutral and polar, at codon 1587 of the GPR179 protein (p.Pro1587Ser). This variant is present in population databases (rs753251543, gnomAD 0.1%). This variant has not been reported in the literature in individuals affected with GPR179-related conditions. ClinVar contains an entry for this variant (Variation ID: 1003638). An algorithm developed to predict the effect of missense changes on protein structure and function outputs the following: PolyPhen-2: "Benign". The serine amino acid residue is found in multiple mammalian species, which suggests that this missense change does not adversely affect protein function. In summary, the available evidence is currently insufficient to determine the role of this variant in disease. Therefore, it has been classified as a Variant of Uncertain Significance.

Ambry Genetics
Classification: Uncertain significance for Inborn genetic diseases. Last evaluated: 2022-07-12. Review status: criteria provided, single submitter. Criteria: Ambry Variant Classification Scheme 2023. Collection method: clinical testing. Allele origin: germline.

NM_001004334.4(GPR179):c.4759C>T (p.Pro1587Ser)

Gene: GPR179 (G protein-coupled receptor 179; minus strand). Cytogenetic location: 17q12.
Variant type: single nucleotide variant.
Coding change: c.4759C>T on transcript NM_001004334.4 (MANE Select); coding-DNA position 4759, C replaced by T.
Protein change: p.Pro1587Ser; replaces proline 1587 with serine.
Molecular consequence: missense variant.
Genome position (GRCh38, 1-based): chr17:38,328,810, G>A on the plus strand (C>T on the coding strand, the complement: GPR179 is on the minus strand). VCF-style: chr17-38328810-G-A. GRCh37 (hg19) VCF-style: chr17-36484693-G-A.
Other names: c.4759C>T (NM_001004334.2); short protein forms P1587S.
Identifiers: ClinVar variation 1003638 (VCV001003638.5), dbSNP rs753251543, ClinGen allele CA290103933.